The following is an entry in ClinVar:

NM_001093.4(ACACB):c.1366T>G (p.Ser456Ala)

Gene: ACACB (acetyl-CoA carboxylase beta; plus strand). Cytogenetic location: 12q24.11.
Variant type: single nucleotide variant.
Coding change: c.1366T>G on transcript NM_001093.4 (MANE Select); coding-DNA position 1366, T replaced by G.
Protein change: p.Ser456Ala; replaces serine 456 with alanine.
Molecular consequence: missense variant.
Genome position (GRCh38, 1-based): chr12:109,176,192, T>G. VCF-style: chr12-109176192-T-G. GRCh37 (hg19) VCF-style: chr12-109613997-T-G.
Other names: c.1366T>G, p.Ser456Ala (NM_001412734.1, NM_001412735.1); c.760T>G, p.Ser254Ala (NM_001412736.1, NM_001412738.1, NM_001412739.1 and 2 more transcripts); c.739T>G, p.Ser247Ala (NM_001412737.1); short protein forms S247A, S254A, S456A.
Identifiers: ClinVar variation 4997594 (VCV004997594.1).

ClinVar aggregate classification (germline): Uncertain significance (1 of 4 stars; one submission).

Conditions:
ACACB-related disorder. Also called: ACACB-related condition.

gnomAD v4.1: 1 of 1,614,186 alleles (0.000062%); highest among the groups gnomAD compares: Non-Finnish European, 0.000085%; no homozygotes.

Submission:

PreventionGenetics, part of Exact Sciences
Classification: Uncertain significance for ACACB-related condition. Last evaluated: 2025-04-05. Review status: criteria provided, single submitter. Criteria: ACMG Guidelines, 2015. Collection method: clinical testing. Allele origin: germline.
Comment: The ACACB c.1366T>G variant is predicted to result in the amino acid substitution p.Ser456Ala. To our knowledge, this variant has not been reported in the literature or in a large population database (gnomAD), indicating this variant is rare. At this time, the clinical significance of this variant is uncertain due to the absence of conclusive functional and genetic evidence.